The following is an entry in ClinVar:

ClinVar aggregate classification (germline): Uncertain significance. Review status: criteria provided, multiple submitters, no conflicts (2 of 4 stars). 2 submissions from 2 submitters: Uncertain significance (2). Last evaluated 2026-02-17.

Conditions:
Cardiovascular phenotype. Identifiers: MedGen CN230736.
Hereditary hemorrhagic telangiectasia (HHT). Also called: ORW DISEASE; Osler Weber Rendu syndrome; OSLER-RENDU-WEBER DISEASE; Osler hemorrhagic telangiectasia syndrome. Identifiers: Orphanet 774, MedGen C0039445, MONDO:0019180. Disease mechanism: loss of function.

gnomAD v4.1: 2 of 1,587,894 alleles (0.00013%); highest among the groups gnomAD compares: East Asian, 0.0023%; no homozygotes.

Submissions (2):

Ambry Genetics
Classification: Uncertain significance for Cardiovascular phenotype. Last evaluated: 2026-02-17. Review status: criteria provided, single submitter. Criteria: Ambry Variant Classification Scheme 2023. Collection method: clinical testing. Allele origin: germline.
Comment: The p.P225T variant (also known as c.673C>A), located in coding exon 5 of the ENG gene, results from a C to A substitution at nucleotide position 673. The proline at codon 225 is replaced by threonine, an amino acid with highly similar properties. This amino acid position is conserved. In addition, this alteration is predicted to be tolerated by in silico analysis. Based on the available evidence, the clinical significance of this variant remains unclear.

Labcorp Genetics (formerly Invitae), Labcorp
Classification: Uncertain significance for Hereditary hemorrhagic telangiectasia. Last evaluated: 2025-07-30. Review status: criteria provided, single submitter. Criteria: Invitae Variant Classification Sherloc (09022015). Collection method: clinical testing. Allele origin: germline.
Comment: This sequence change replaces proline, which is neutral and non-polar, with threonine, which is neutral and polar, at codon 225 of the ENG protein (p.Pro225Thr). This variant is not present in population databases (gnomAD no frequency). This variant has not been reported in the literature in individuals affected with ENG-related conditions. ClinVar contains an entry for this variant (Variation ID: 2158943). Invitae Evidence Modeling of protein sequence and biophysical properties (such as structural, functional, and spatial information, amino acid conservation, physicochemical variation, residue mobility, and thermodynamic stability) has been performed for this missense variant. However, the output from this modeling did not meet the statistical confidence thresholds required to predict the impact of this variant on ENG protein function. In summary, the available evidence is currently insufficient to determine the role of this variant in disease. Therefore, it has been classified as a Variant of Uncertain Significance.

NM_001114753.3(ENG):c.673C>A (p.Pro225Thr)

Gene: ENG (endoglin; minus strand). Cytogenetic location: 9q34.11.
Variant type: single nucleotide variant.
Coding change: c.673C>A on transcript NM_001114753.3 (MANE Select); coding-DNA position 673, C replaced by A.
Protein change: p.Pro225Thr; replaces proline 225 with threonine.
Molecular consequence: missense variant.
Genome position (GRCh38, 1-based): chr9:127,825,711, G>T on the plus strand (C>A on the coding strand, the complement: ENG is on the minus strand). VCF-style: chr9-127825711-G-T. GRCh37 (hg19) VCF-style: chr9-130587990-G-T.
Other names: c.673C>A (NM_001114753.1); c.673C>A, p.Pro225Thr (NM_000118.4, NM_001406715.1); c.127C>A, p.Pro43Thr (NM_001278138.2); short protein forms P225T, P43T.
Identifiers: ClinVar variation 2158943 (VCV002158943.5), dbSNP rs1554810373, ClinGen allele CA374983509.